The following is an entry in ClinVar:

NM_015474.4(SAMHD1):c.1436del (p.Glu479fs)

Gene: SAMHD1 (SAM and HD domain containing deoxynucleoside triphosphate triphosphohydrolase 1; minus strand). Cytogenetic location: 20q11.23.
Variant type: Deletion.
Coding change: c.1436del on transcript NM_015474.4 (MANE Select); coding-DNA position 1436, one base deleted (A; older notation c.1436delA).
Protein change: p.Glu479fs; shifts the reading frame from glutamic acid 479.
Molecular consequence: frameshift variant.
Genome position (GRCh38, 1-based): chr20:36,904,224, T deleted on the plus strand (A on the coding strand, the reverse complement: SAMHD1 is on the minus strand). VCF-style (leftmost placement, unchanged base first): chr20-36904223-CT-C. GRCh37 (hg19) VCF-style: chr20-35532626-CT-C.
Other names: c.1436del, p.Glu479fs (NM_001363729.2, NM_001363733.2); short protein forms E479fs.
Identifiers: ClinVar variation 1704574 (VCV001704574.7), dbSNP rs773852483, ClinGen allele CA9844503.
Genomic context (GRCh38, chr20:36,904,223, plus strand): 5'-TATAAAATCTTCAGCCTTCAGTTTCACGTCTAGCAATACTTTGGGTTTAGCACTGGCAAC[CT>C]CTTTTGGAAGAGATTCATAGTCCTCCTGGAAAACACAAGACTCCCCATGTTAGAATCCAT-3'

ClinVar aggregate classification (germline): Pathogenic/Likely pathogenic. Review status: criteria provided, multiple submitters, no conflicts (2 of 4 stars). 4 submissions from 4 submitters: Pathogenic (1); Likely pathogenic (3). Last evaluated 2025-09-20.

Conditions:
Aicardi Goutieres syndrome (AGS). Also called: Encephalopathy, familial infantile, with calcification of basal ganglia and chronic cerebrospinal fluid lymphocytosis. Identifiers: Orphanet 51, MedGen C0393591, MONDO:0018866.
Aicardi-Goutieres syndrome 5. Identifiers: Orphanet 51, MedGen C2749659, MONDO:0013059, OMIM 612952.
Chilblain lupus 2 (CHBL2). Identifiers: MedGen C3280721, MONDO:0013739, OMIM 614415.

Allele frequency attached by ClinVar (database versions not stated): gnomAD exomes below 0.00001; ExAC 0.00001; 1000 Genomes Project 30x 0.00016; gnomAD 0.00001.

Submissions (4):

Dasa
Classification: Likely pathogenic. Last evaluated: 2025-09-20. Review status: criteria provided, single submitter. Criteria: DASA Assertion Criteria. Collection method: clinical testing. Allele origin: germline.
Comment: NM_015474.4(SAMHD1):c.1436del (p.Glu479Glyfs*11) is a frameshift variant in SAMHD1 predicted to alter the reading frame and introduce a premature termination codon and is predicted to result in an absent or altered protein product. Loss of function is an established disease mechanism for SAMHD1-associated disorders. Also, this variant is rare in population databases. Based on the currently available evidence, this variant is classified as likely pathogenic.

Fulgent Genetics
Classification: Likely pathogenic for Aicardi-Goutieres syndrome 5; Chilblain lupus 2. Last evaluated: 2024-03-14. Review status: criteria provided, single submitter. Criteria: ACMG Guidelines, 2015. Collection method: clinical testing. Allele origin: germline.

Labcorp Genetics (formerly Invitae), Labcorp
Classification: Pathogenic for Aicardi-Goutieres syndrome 5. Last evaluated: 2023-12-21. Review status: criteria provided, single submitter. Criteria: Invitae Variant Classification Sherloc (09022015). Collection method: clinical testing. Allele origin: germline.
Comment: This sequence change creates a premature translational stop signal (p.Glu479Glyfs*11) in the SAMHD1 gene. It is expected to result in an absent or disrupted protein product. Loss-of-function variants in SAMHD1 are known to be pathogenic (PMID: 19525956, 22461318). This variant is present in population databases (rs773852483, gnomAD 0.007%). This variant has not been reported in the literature in individuals affected with SAMHD1-related conditions. ClinVar contains an entry for this variant (Variation ID: 1704574). For these reasons, this variant has been classified as Pathogenic.

Women's Health and Genetics/Laboratory Corporation of America, LabCorp
Classification: Likely pathogenic for Aicardi Goutieres syndrome. Last evaluated: 2022-07-12. Review status: criteria provided, single submitter. Criteria: LabCorp Variant Classification Summary - May 2015. Collection method: clinical testing. Allele origin: germline.
Comment: Variant summary: SAMHD1 c.1436delA (p.Glu479GlyfsX11) results in a premature termination codon, predicted to cause a truncation of the encoded protein or absence of the protein due to nonsense mediated decay, which are commonly known mechanisms for disease. Truncations downstream of this position are associated with Aicardi-Goutires syndrome in HGMD. The variant allele was found at a frequency of 4e-06 in 251464 control chromosomes (gnomAD). To our knowledge, no occurrence of c.1436delA in individuals affected with Aicardi Goutieres Syndrome and no experimental evidence demonstrating its impact on protein function have been reported. No clinical diagnostic laboratories have submitted clinical-significance assessments for this variant to ClinVar after 2014. Based on the evidence outlined above, the variant was classified as likely pathogenic.

Literature cited by the submitters: PubMed 19525956 (cited by Labcorp Genetics (formerly Invitae), Labcorp); PubMed 22461318 (cited by Labcorp Genetics (formerly Invitae), Labcorp).